The following is an entry in ClinVar:

NM_001256545.2(MEGF10):c.660-3C>T

Gene: MEGF10 (multiple EGF like domains 10; plus strand). Cytogenetic location: 5q23.2.
Variant type: single nucleotide variant.
Coding change: c.660-3C>T on transcript NM_001256545.2 (MANE Select); 3 bases into the intron before coding-DNA position 660, C replaced by T.
Molecular consequence: intron variant.
Genome position (GRCh38, 1-based): chr5:127,398,673, C>T. VCF-style: chr5-127398673-C-T. GRCh37 (hg19) VCF-style: chr5-126734365-C-T.
Other names: p.?; c.660-3C>T (NM_032446.3, NM_001308119.2, NM_001308121.2).
Identifiers: ClinVar variation 262080 (VCV000262080.26), dbSNP rs6595769, ClinGen allele CA3391377.

ClinVar aggregate classification (germline): Benign. Review status: criteria provided, multiple submitters, no conflicts (2 of 4 stars). 7 submissions from 7 submitters: Benign (7). Last evaluated 2026-02-02.

Conditions:
MEGF10-related myopathy (CMYO10A). Also called: Congenital myopathy 10A, severe variant. Identifiers: Orphanet 439212, MedGen C3280679, MONDO:0013731, OMIM 614399.

Allele frequency attached by ClinVar (database versions not stated): gnomAD exomes 0.15342 and 0.15384; ExAC 0.16164; TOPMed 0.19365; gnomAD 0.19452 and 0.19743; 1000 Genomes Project 0.19968; 1000 Genomes Project 30x 0.20019; ESP Exome Variant Server 0.20360.
gnomAD v4.1: 254,094 of 1,613,692 alleles (16%); highest among the groups gnomAD compares: African/African-American, 32%; 21,498 homozygotes.

Submissions (11):

Labcorp Genetics (formerly Invitae), Labcorp
Classification: Benign for MEGF10-related myopathy. Last evaluated: 2026-02-02. Review status: criteria provided, single submitter. Criteria: Invitae Variant Classification Sherloc (09022015). Collection method: clinical testing. Allele origin: germline.

Blueprint Genetics
Classification: Benign. Last evaluated: 2024-11-26. Review status: criteria provided, single submitter. Criteria: ACMG Guidelines, 2015. Collection method: clinical testing. Allele origin: germline.

Illumina Laboratory Services, Illumina
Classification: Benign for MEGF10-related myopathy. Last evaluated: 2018-01-13. Review status: criteria provided, single submitter. Criteria: ICSL Variant Classification Criteria 13 December 2019. Collection method: clinical testing. Allele origin: germline.
Comment: This variant was observed in the ICSL laboratory as part of a predisposition screen in an ostensibly healthy population. It had not been previously curated by ICSL or reported in the Human Gene Mutation Database (HGMD: prior to June 1st, 2018), and was therefore a candidate for classification through an automated scoring system. Utilizing variant allele frequency, disease prevalence and penetrance estimates, and inheritance mode, an automated score was calculated to assess if this variant is too frequent to cause the disease. Based on the score and internal cut-off values, a variant classified as benign is not then subjected to further curation. The score for this variant resulted in a classification of benign for this disease.

Mayo Clinic Laboratories, Mayo Clinic
Classification: Benign. Last evaluated: 2017-10-04. Review status: criteria provided, single submitter. Criteria: ACMG Guidelines, 2015. Collection method: clinical testing. Allele origin: germline. Observed: 127 variant alleles.

Laboratory for Molecular Medicine, Mass General Brigham Personalized Medicine
Classification: Benign. Last evaluated: 2016-03-29. Review status: criteria provided, single submitter. Criteria: LMM Criteria. Collection method: clinical testing. Allele origin: germline.
Comment: Variant identified in a genome or exome case(s) and assessed due to predicted null impact of the variant or pathogenic assertions in the literature or databases. Disclaimer: This variant has not undergone full assessment. The following are preliminary notes: 16% of total chromosomes in ExAC

GeneDx
Classification: Benign. Last evaluated: 2016-01-29. Review status: criteria provided, single submitter. Criteria: GeneDx Variant Classification (06012015). Collection method: clinical testing. Allele origin: germline. Affected: yes.
Comment: This variant is considered likely benign or benign based on one or more of the following criteria: it is a conservative change, it occurs at a poorly conserved position in the protein, it is predicted to be benign by multiple in silico algorithms, and/or has population frequency not consistent with disease.

PreventionGenetics, part of Exact Sciences
Classification: Benign. Review status: criteria provided, single submitter. Criteria: ACMG Guidelines, 2015. Collection method: clinical testing. Allele origin: germline.

Dr. Peter K. Rogan Lab, Western University
No classification provided (evidence only). Condition: Uterine carcinosarcoma. Review status: no classification provided. Collection method: in vitro. Allele origin: not applicable. Functional consequence: retained intron. Not counted in ClinVar's aggregate classification.

Dr. Peter K. Rogan Lab, Western University
No classification provided (evidence only). Condition: Chronic lymphocytic leukemia/small lymphocytic lymphoma. Review status: no classification provided. Collection method: in vitro. Allele origin: not applicable. Functional consequence: retained intron. Not counted in ClinVar's aggregate classification.

Dr. Peter K. Rogan Lab, Western University
No classification provided (evidence only). Condition: Familial pancreatic carcinoma. Review status: no classification provided. Collection method: in vitro. Allele origin: not applicable. Functional consequence: retained intron. Not counted in ClinVar's aggregate classification.

Dr. Peter K. Rogan Lab, Western University
No classification provided (evidence only). Condition: Familial pancreatic carcinoma. Review status: no classification provided. Collection method: in vitro. Allele origin: not applicable. Functional consequence: retained intron. Not counted in ClinVar's aggregate classification.